The following is an entry in ClinVar:

ClinVar aggregate classification (germline): Pathogenic/Likely pathogenic. Review status: criteria provided, multiple submitters, no conflicts (2 of 4 stars). 2 submissions from 2 submitters: Pathogenic (1); Likely pathogenic (1). Last evaluated 2023-08-23.

Conditions:
Ehlers-Danlos syndrome, dermatosparaxis type. Also called: Dermatosparaxis; EDS VIIC; Ehlers-Danlos syndrome, type VII, autosomal recessive. Identifiers: Orphanet 1901, MedGen C2700425, MONDO:0009161, OMIM 225410.

Submissions (2):

Labcorp Genetics (formerly Invitae), Labcorp
Classification: Pathogenic for Ehlers-Danlos syndrome, dermatosparaxis type. Last evaluated: 2023-08-23. Review status: criteria provided, single submitter. Criteria: Invitae Variant Classification Sherloc (09022015). Collection method: clinical testing. Allele origin: germline.
Comment: For these reasons, this variant has been classified as Pathogenic. ClinVar contains an entry for this variant (Variation ID: 1726297). This variant has not been reported in the literature in individuals affected with ADAMTS2-related conditions. This variant is not present in population databases (gnomAD no frequency). This sequence change creates a premature translational stop signal (p.Ala89Profs*76) in the ADAMTS2 gene. It is expected to result in an absent or disrupted protein product. Loss-of-function variants in ADAMTS2 are known to be pathogenic (PMID: 10417273).

Myriad Genetics, Inc.
Classification: Likely pathogenic for Ehlers-Danlos syndrome, dermatosparaxis type. Last evaluated: 2021-12-13. Review status: criteria provided, single submitter. Criteria: Myriad Women's Health Autosomal Recessive and X-Linked Classification Criteria (2021). Collection method: clinical testing. Allele origin: unknown.
Comment: NM_014244.4(ADAMTS2):c.265delG(A89Pfs*76) is expected to be pathogenic in the context of Ehlers-Danlos syndrome type VIIC. This variant is predicted to lead to an abnormal or absent protein product due to the creation of a premature termination codon in ADAMTS2, a gene where loss-of-function variants are known to be pathogenic. Please note: this variant was assessed in the context of healthy population screening.

Literature cited by the submitters: PubMed 10417273 (cited by Labcorp Genetics (formerly Invitae), Labcorp).

NM_014244.5(ADAMTS2):c.265del (p.Ala89fs)

Gene: ADAMTS2 (ADAM metallopeptidase with thrombospondin type 1 motif 2; minus strand). Cytogenetic location: 5q35.3.
Variant type: Deletion.
Coding change: c.265del on transcript NM_014244.5 (MANE Select); coding-DNA position 265, one base deleted (G; older notation c.265delG).
Protein change: p.Ala89fs; shifts the reading frame from alanine 89.
Molecular consequence: frameshift variant.
Genome position (GRCh38, 1-based): chr5:179,344,036, C deleted on the plus strand (G on the coding strand, the reverse complement: ADAMTS2 is on the minus strand); the first of 3 consecutive C bases (chr5:179,344,036-179,344,038); deleting any one gives the same sequence. VCF-style (leftmost placement, unchanged base first): chr5-179344035-GC-G. GRCh37 (hg19) VCF-style: chr5-178771036-GC-G.
Other names: c.265del, p.Ala89fs (NM_021599.4); short protein forms A89fs.
Identifiers: ClinVar variation 1726297 (VCV001726297.5), dbSNP rs2532190478, ClinGen allele CA913108690.